The following is an entry in ClinVar:

NM_001130438.3(SPTAN1):c.3006+49C>G

Gene: SPTAN1 (spectrin alpha, non-erythrocytic 1; plus strand). Cytogenetic location: 9q34.11.
Variant type: single nucleotide variant.
Coding change: c.3006+49C>G on transcript NM_001130438.3 (MANE Select); 49 bases into the intron after coding-DNA position 3006, C replaced by G.
Molecular consequence: intron variant.
Genome position (GRCh38, 1-based): chr9:128,588,992, C>G. VCF-style: chr9-128588992-C-G. GRCh37 (hg19) VCF-style: chr9-131351271-C-G.
Other names: c.3042+49C>G (NM_001375318.1, NM_001375312.2, NM_001438440.1); c.3006+49C>G (NM_001375311.2, NM_001375314.2, NM_001375310.1 and 10 more transcripts).
Identifiers: ClinVar variation 4838862 (VCV004838862.2).

ClinVar aggregate classification (germline): Uncertain significance (1 of 4 stars; one submission).

Conditions:
Inborn genetic diseases. Identifiers: MedGen C0950123, MeSH D030342.

Submission:

Ambry Genetics
Classification: Uncertain significance for Inborn genetic diseases. Last evaluated: 2026-03-24. Review status: criteria provided, single submitter. Criteria: Ambry Variant Classification Scheme 2023. Collection method: clinical testing. Allele origin: germline.
Comment: The c.3006+49C>G intronic alteration consists of a C to G substitution 49 nucleotides before exon 22 (coding exon 21) of the SPTAN1 gene. This variant was not reported in population-based cohorts in the Genome Aggregation Database (gnomAD). This nucleotide position is poorly conserved in available vertebrate species. RNA studies have demonstrated that this variant results in an incomplete splice defect; the clinical impact of this abnormal splicing is unknown at this time (Ambry internal data). In silico splice site analysis predicts that this alteration will weaken the native splice donor site and will result in the creation or strengthening of a novel splice donor site. Based on insufficient or conflicting evidence, the clinical significance of this alteration remains unclear.